The following is an entry in ClinVar:

NM_000093.5(COL5A1):c.4122G>A (p.Thr1374=)

Gene: COL5A1 (collagen type V alpha 1 chain; plus strand). Cytogenetic location: 9q34.3.
Variant type: single nucleotide variant.
Coding change: c.4122G>A on transcript NM_000093.5 (MANE Select); coding-DNA position 4122, G replaced by A.
Protein change: p.Thr1374=; no amino-acid change (threonine 1374 retained).
Molecular consequence: synonymous variant.
Genome position (GRCh38, 1-based): chr9:134,815,988, G>A. VCF-style: chr9-134815988-G-A. GRCh37 (hg19) VCF-style: chr9-137707834-G-A.
Other names: p.T1374T:ACG>ACA; p.Thr1374=; c.4122G>A, p.Thr1374= (NM_001278074.1).
Identifiers: ClinVar variation 136889 (VCV000136889.43), dbSNP rs3827848, ClinGen allele CA290272.

ClinVar aggregate classification (germline): Benign/Likely benign. Review status: criteria provided, multiple submitters, no conflicts (2 of 4 stars). 14 submissions from 13 submitters: Benign (11); Likely benign (1). 2 of the submissions do not count toward it. Last evaluated 2026-02-04.

Conditions:
Fibromuscular dysplasia, multifocal. Identifiers: MedGen C5543412, MONDO:0859151, OMIM 619329.
Ehlers-Danlos syndrome, classic type, 1 (EDSCL1). Also called: Ehlers-Danlos syndrome, type 1; Ehlers-Danlos Syndrome, Classic Type, COL5A1-Related; EDS I; EHLERS-DANLOS SYNDROME, GRAVIS TYPE; EHLERS-DANLOS SYNDROME, SEVERE CLASSIC TYPE. Identifiers: MedGen C0268335, MONDO:0019567, OMIM 130000.
Familial thoracic aortic aneurysm and aortic dissection (TAAD). Also called: Thoracic aortic aneurysms and dissections. Identifiers: Orphanet 91387, MedGen C4707243, MONDO:0019625.

Allele frequency attached by ClinVar (database versions not stated): 1000 Genomes Project 0.12979; 1000 Genomes Project 30x 0.13039; TOPMed 0.13214; gnomAD 0.14103 and 0.14130; ESP Exome Variant Server 0.14178; gnomAD exomes 0.14701 and 0.15312; ExAC 0.14777.
gnomAD v4.1: 244,960 of 1,613,610 alleles (15%); highest among the groups gnomAD compares: Non-Finnish European, 16%; 19,278 homozygotes.

Submissions 1 to 28 of 46:

Labcorp Genetics (formerly Invitae), Labcorp
Classification: Benign for Ehlers-Danlos syndrome, classic type, 1. Last evaluated: 2026-02-04. Review status: criteria provided, single submitter. Criteria: Invitae Variant Classification Sherloc (09022015). Collection method: clinical testing. Allele origin: germline.

ARUP Laboratories, Molecular Genetics and Genomics, ARUP Laboratories
Classification: Benign. Last evaluated: 2025-07-29. Review status: criteria provided, single submitter. Criteria: ARUP Molecular Germline Variant Investigation Process 2024. Collection method: clinical testing. Allele origin: germline.

Molecular Diagnostic Laboratory for Inherited Cardiovascular Disease, Montreal Heart Institute
Classification: Benign. Last evaluated: 2025-04-09. Review status: criteria provided, single submitter. Criteria: ACMG Guidelines, 2015. Collection method: clinical testing. Allele origin: germline. Affected: no.

Blueprint Genetics
Classification: Benign. Last evaluated: 2024-11-27. Review status: criteria provided, single submitter. Criteria: ACMG Guidelines, 2015. Collection method: clinical testing. Allele origin: germline.

Genome-Nilou Lab
Classification: Benign for Ehlers-Danlos syndrome, classic type, 1. Last evaluated: 2022-03-15. Review status: criteria provided, single submitter. Criteria: ACMG Guidelines, 2015. Collection method: clinical testing. Allele origin: germline. Affected: no.

Genome-Nilou Lab
Classification: Benign for Fibromuscular dysplasia, multifocal. Last evaluated: 2022-03-15. Review status: criteria provided, single submitter. Criteria: ACMG Guidelines, 2015. Collection method: clinical testing. Allele origin: germline. Affected: no.

Mayo Clinic Laboratories, Mayo Clinic
Classification: Benign. Last evaluated: 2017-11-03. Review status: criteria provided, single submitter. Criteria: ACMG Guidelines, 2015. Collection method: clinical testing. Allele origin: germline. Observed: 1,525 variant alleles.

Women's Health and Genetics/Laboratory Corporation of America, LabCorp
Classification: Benign. Last evaluated: 2017-03-10. Review status: criteria provided, single submitter. Criteria: LabCorp Variant Classification Summary - May 2015. Collection method: clinical testing. Allele origin: germline.
Comment: Variant summary: The COL5A1 c.4122G>A (p.Thr1374Thr) variant causes a missense change involving the alteration of a non-conserved nucleotide, resulting in a synonymous change. One in silico tool predicts a polymorphism outcome for this variant. 5/5 splice prediction tools predict weakening the canonical donor cite. However, these predictions have yet to be confirmed by functional studies. This variant was found in 17922/121286 control chromosomes (1465 homozygotes) at a frequency of 0.1477664, which is approximately 118213 times the estimated maximal expected allele frequency of a pathogenic COL5A1 variant (0.0000013), suggesting this variant is likely a benign polymorphism. In addition, multiple clinical diagnostic laboratories/reputable databases classified this variant as benign. Taken together, this variant is classified as benign.

Ambry Genetics
Classification: Benign for Familial thoracic aortic aneurysm and aortic dissection. Last evaluated: 2015-02-04. Review status: criteria provided, single submitter. Criteria: Ambry Variant Classification Scheme 2023. Collection method: clinical testing. Allele origin: germline.

GeneDx
Classification: Benign. Last evaluated: 2012-11-13. Review status: criteria provided, single submitter. Criteria: GeneDx Variant Classification (06012015). Collection method: clinical testing. Allele origin: germline. Affected: yes.
Comment: This variant is considered likely benign or benign based on one or more of the following criteria: it is a conservative change, it occurs at a poorly conserved position in the protein, it is predicted to be benign by multiple in silico algorithms, and/or has population frequency not consistent with disease.

Breakthrough Genomics
Classification: Likely benign. Review status: criteria provided, single submitter. Criteria: ACMG Guidelines, 2015. Collection method: not provided. Allele origin: germline. Inheritance: Autosomal dominant inheritance. Affected: yes.

PreventionGenetics, part of Exact Sciences
Classification: Benign. Review status: criteria provided, single submitter. Criteria: ACMG Guidelines, 2015. Collection method: clinical testing. Allele origin: germline.

Diagnostic Laboratory, Department of Genetics, University Medical Center Groningen
Classification: Benign. Review status: no assertion criteria provided. Collection method: clinical testing. Allele origin: germline. Affected: yes. Study: VKGL Data-share Consensus. Not counted in ClinVar's aggregate classification.

Dr. Peter K. Rogan Lab, Western University
No classification provided (evidence only). Condition: Malignant lymphoma, large B-cell, diffuse. Review status: no classification provided. Collection method: in vitro. Allele origin: not applicable. Functional consequence: retained intron. Not counted in ClinVar's aggregate classification.

Dr. Peter K. Rogan Lab, Western University
No classification provided (evidence only). Condition: Malignant lymphoma, large B-cell, diffuse. Review status: no classification provided. Collection method: in vitro. Allele origin: not applicable. Functional consequence: retained intron. Not counted in ClinVar's aggregate classification.

Dr. Peter K. Rogan Lab, Western University
No classification provided (evidence only). Condition: Malignant lymphoma, large B-cell, diffuse. Review status: no classification provided. Collection method: in vitro. Allele origin: not applicable. Functional consequence: retained intron. Not counted in ClinVar's aggregate classification.

Dr. Peter K. Rogan Lab, Western University
No classification provided (evidence only). Condition: Malignant lymphoma, large B-cell, diffuse. Review status: no classification provided. Collection method: in vitro. Allele origin: not applicable. Functional consequence: retained intron. Not counted in ClinVar's aggregate classification.

Dr. Peter K. Rogan Lab, Western University
No classification provided (evidence only). Condition: Malignant lymphoma, large B-cell, diffuse. Review status: no classification provided. Collection method: in vitro. Allele origin: not applicable. Functional consequence: skipped exon, retained intron. Not counted in ClinVar's aggregate classification.

Dr. Peter K. Rogan Lab, Western University
No classification provided (evidence only). Condition: Cholangiocarcinoma. Review status: no classification provided. Collection method: in vitro. Allele origin: not applicable. Functional consequence: skipped exon, retained intron. Not counted in ClinVar's aggregate classification.

Dr. Peter K. Rogan Lab, Western University
No classification provided (evidence only). Condition: Cholangiocarcinoma. Review status: no classification provided. Collection method: in vitro. Allele origin: not applicable. Functional consequence: retained intron. Not counted in ClinVar's aggregate classification.

Dr. Peter K. Rogan Lab, Western University
No classification provided (evidence only). Condition: Cholangiocarcinoma. Review status: no classification provided. Collection method: in vitro. Allele origin: not applicable. Functional consequence: retained intron. Not counted in ClinVar's aggregate classification.

Dr. Peter K. Rogan Lab, Western University
No classification provided (evidence only). Condition: Uterine carcinosarcoma. Review status: no classification provided. Collection method: in vitro. Allele origin: not applicable. Functional consequence: retained intron. Not counted in ClinVar's aggregate classification.

Dr. Peter K. Rogan Lab, Western University
No classification provided (evidence only). Condition: Uterine carcinosarcoma. Review status: no classification provided. Collection method: in vitro. Allele origin: not applicable. Functional consequence: retained intron. Not counted in ClinVar's aggregate classification.

Dr. Peter K. Rogan Lab, Western University
No classification provided (evidence only). Condition: Uterine carcinosarcoma. Review status: no classification provided. Collection method: in vitro. Allele origin: not applicable. Functional consequence: skipped exon, retained intron. Not counted in ClinVar's aggregate classification.

Dr. Peter K. Rogan Lab, Western University
No classification provided (evidence only). Condition: Uterine carcinosarcoma. Review status: no classification provided. Collection method: in vitro. Allele origin: not applicable. Functional consequence: skipped exon, retained intron. Not counted in ClinVar's aggregate classification.

Dr. Peter K. Rogan Lab, Western University
No classification provided (evidence only). Condition: Uterine carcinosarcoma. Review status: no classification provided. Collection method: in vitro. Allele origin: not applicable. Functional consequence: skipped exon, retained intron. Not counted in ClinVar's aggregate classification.

Dr. Peter K. Rogan Lab, Western University
No classification provided (evidence only). Condition: Uterine carcinosarcoma. Review status: no classification provided. Collection method: in vitro. Allele origin: not applicable. Functional consequence: skipped exon, retained intron. Not counted in ClinVar's aggregate classification.

Dr. Peter K. Rogan Lab, Western University
No classification provided (evidence only). Condition: Uterine carcinosarcoma. Review status: no classification provided. Collection method: in vitro. Allele origin: not applicable. Functional consequence: skipped exon, retained intron. Not counted in ClinVar's aggregate classification.